The following is an entry in ClinVar:

NM_014846.4(WASHC5):c.2014G>A (p.Glu672Lys)

Gene: WASHC5 (WASH complex subunit 5; minus strand). Cytogenetic location: 8q24.13.
Variant type: single nucleotide variant.
Coding change: c.2014G>A on transcript NM_014846.4 (MANE Select); coding-DNA position 2014, G replaced by A.
Protein change: p.Glu672Lys; replaces glutamic acid 672 with lysine.
Molecular consequence: missense variant.
Genome position (GRCh38, 1-based): chr8:125,056,679, C>T on the plus strand (G>A on the coding strand, the complement: WASHC5 is on the minus strand). VCF-style: chr8-125056679-C-T. GRCh37 (hg19) VCF-style: chr8-126068921-C-T.
Other names: p.Glu672Lys; c.2014G>A (NM_014846.3); c.1570G>A, p.Glu524Lys (NM_001330609.2); short protein forms E524K, E672K.
Identifiers: ClinVar variation 2060149 (VCV002060149.6), dbSNP rs761116230, ClinGen allele CA4873660.

ClinVar aggregate classification (germline): Uncertain significance. Review status: criteria provided, multiple submitters, no conflicts (2 of 4 stars). 3 submissions from 3 submitters: Uncertain significance (3). Last evaluated 2025-08-13.

Conditions:
WASHC5-related disorder. Also called: WASHC5-related condition.
Hereditary spastic paraplegia 8 (SPG8). Also called: SPASTIC PARAPLEGIA 8, AUTOSOMAL DOMINANT. Identifiers: Orphanet 100989, MedGen C1863704, MONDO:0011339, OMIM 603563.
Ritscher-Schinzel syndrome. Also called: CRANIOCEREBELLOCARDIAC DYSPLASIA. Identifiers: Orphanet 7, MedGen C0796137, MONDO:0019078.

Allele frequency attached by ClinVar (database versions not stated): TOPMed below 0.00001; ExAC 0.00001; gnomAD 0.00001.
gnomAD v4.1: 36 of 1,613,900 alleles (0.0022%); highest among the groups gnomAD compares: Non-Finnish European, 0.0023%; no homozygotes.

Submissions (3):

Mayo Clinic Laboratories, Mayo Clinic
Classification: Uncertain significance. Last evaluated: 2025-08-13. Review status: criteria provided, single submitter. Criteria: ACMG Guidelines, 2015. Collection method: clinical testing. Allele origin: germline. Observed: 1 variant allele.

PreventionGenetics, part of Exact Sciences
Classification: Uncertain significance for WASHC5-related condition. Last evaluated: 2025-06-05. Review status: criteria provided, single submitter. Criteria: ACMG Guidelines, 2015. Collection method: clinical testing. Allele origin: germline.
Comment: The WASHC5 c.2014G>A variant is predicted to result in the amino acid substitution p.Glu672Lys. To our knowledge, this variant has not been reported in the literature. This variant is reported in 0.0054% of alleles in individuals of East Asian descent in gnomAD. At this time, the clinical significance of this variant is uncertain due to the absence of conclusive functional and genetic evidence.

Labcorp Genetics (formerly Invitae), Labcorp
Classification: Uncertain significance for Ritscher-Schinzel syndrome; Hereditary spastic paraplegia 8. Last evaluated: 2025-03-17. Review status: criteria provided, single submitter. Criteria: Invitae Variant Classification Sherloc (09022015). Collection method: clinical testing. Allele origin: germline.
Comment: This sequence change replaces glutamic acid, which is acidic and polar, with lysine, which is basic and polar, at codon 672 of the WASHC5 protein (p.Glu672Lys). This variant is present in population databases (rs761116230, gnomAD 0.006%). This variant has not been reported in the literature in individuals affected with WASHC5-related conditions. ClinVar contains an entry for this variant (Variation ID: 2060149). An algorithm developed to predict the effect of missense changes on protein structure and function (PolyPhen-2) suggests that this variant is likely to be tolerated. In summary, the available evidence is currently insufficient to determine the role of this variant in disease. Therefore, it has been classified as a Variant of Uncertain Significance.